The following is an entry in ClinVar:

ClinVar aggregate classification (germline): Uncertain significance (1 of 4 stars; one submission).

gnomAD v4.1: 1 of 1,614,132 alleles (0.000062%); highest among the groups gnomAD compares: Non-Finnish European, 0.000085%; no homozygotes.

Submission:

Women's Health and Genetics/Laboratory Corporation of America, LabCorp
Classification: Uncertain significance. Last evaluated: 2026-03-16. Review status: criteria provided, single submitter. Criteria: LabCorp Variant Classification Summary - May 2015. Collection method: clinical testing. Allele origin: germline.
Comment: Variant summary: COPB2 c.2152G>T (p.Gly718Cys) results in a non-conservative amino acid change in the encoded protein sequence. Algorithms developed to predict the effect of missense changes on protein structure and function are either unavailable or do not agree on the potential impact of this missense change. The variant was absent in 251330 control chromosomes. The available data on variant occurrences in the general population are insufficient to allow any conclusion about variant significance. To our knowledge, no occurrence of c.2152G>T in individuals affected with COPB2-related conditions and no experimental evidence demonstrating its impact on protein function have been reported. No submitters have cited clinical-significance assessments for this variant to ClinVar. Based on the evidence outlined above, the variant was classified as uncertain significance.

NM_004766.3(COPB2):c.2152G>T (p.Gly718Cys)

Gene: COPB2 (coat protein complex I subunit beta 2; minus strand). Cytogenetic location: 3q23.
Variant type: single nucleotide variant.
Coding change: c.2152G>T on transcript NM_004766.3 (MANE Select); coding-DNA position 2152, G replaced by T.
Protein change: p.Gly718Cys; replaces glycine 718 with cysteine.
Molecular consequence: missense variant. On other transcripts: non-coding transcript variant (1).
Genome position (GRCh38, 1-based): chr3:139,361,139, C>A on the plus strand (G>T on the coding strand, the complement: COPB2 is on the minus strand). VCF-style: chr3-139361139-C-A. GRCh37 (hg19) VCF-style: chr3-139079981-C-A.
Other names: c.2065G>T, p.Gly689Cys (NM_001410834.1); short protein forms G689C, G718C.
Identifiers: ClinVar variation 4847198 (VCV004847198.1).
Genomic context (GRCh38, chr3:139,361,139, plus strand): 5'-ACTTGCCCTGTAAAAAGTAGCTCATGAATGCCACATTATTTTTGCCATCTCTCTCCGCAC[C>A]CTCTGCTAGCTTGTTCACCATATTAGCATTTCCAGAGGCAGTGGCCAAAAGCAGCAGGCC-3'
Protein context (NP_004757.1, residues 708-728): NANMVNKLAE[Gly718Cys]AERDGKNNVA